The following is an entry in ClinVar:

ClinVar aggregate classification (germline): Likely pathogenic (1 of 4 stars; one submission).

Conditions:
Heterotopia, periventricular, X-linked dominant (PVNH1). Also called: PERIVENTRICULAR NODULAR HETEROTOPIA 1; X-linked periventricular heterotopia; PERIVENTRICULAR NODULAR HETEROTOPIA 4; HETEROTOPIA, PERIVENTRICULAR, 1. Identifiers: Orphanet 2149, Orphanet 82004, MedGen C1848213, MONDO:0010233, OMIM 300049.

Submission:

Juno Genomics, Hangzhou Juno Genomics, Inc
Classification: Likely pathogenic for Heterotopia, periventricular, X-linked dominant. Review status: criteria provided, single submitter. Criteria: ACMG Guidelines, 2015. Collection method: clinical testing. Allele origin: germline. Affected: yes.
Comment: Absent from controls (or at extremely low frequency if recessive) in Genome Aggregation Database, Exome Sequencing Project, 1000 Genomes Project, or Exome Aggregation Consortium.;Null variant in a gene where loss of function (LOF) is a known mechanism of disease.

NM_001110556.2(FLNA):c.4982del (p.Gly1661fs)

Gene: FLNA (filamin A; minus strand). Cytogenetic location: Xq28.
Variant type: Deletion.
Coding change: c.4982del on transcript NM_001110556.2 (MANE Select); coding-DNA position 4982, one base deleted (G; older notation c.4982delG).
Protein change: p.Gly1661fs; shifts the reading frame from glycine 1661.
Molecular consequence: frameshift variant.
Genome position (GRCh38, 1-based): chrX:154,355,060, C deleted on the plus strand (G on the coding strand, the reverse complement: FLNA is on the minus strand); the first of 2 consecutive C bases (chrX:154,355,060-154,355,061); deleting either gives the same sequence. VCF-style (leftmost placement, unchanged base first): chrX-154355059-GC-G. GRCh37 (hg19) VCF-style: chrX-153583427-GC-G.
Other names: c.4958del, p.Gly1653fs (NM_001456.4); short protein forms G1653fs, G1661fs.
Identifiers: ClinVar variation 3382479 (VCV003382479.2).
Genomic context (GRCh38, chrX:154,355,059, plus strand): 5'-TTTGCCTGCCGCCTTAGTGTCCACAGTGATCACCGTCTCCTCCCCAATCTGAATGGTGGG[GC>G]CGATGCCAGCACCTGGTGGGGCAGGGTGGGTCCCCAAAGGGGGGCCAGCGTGTGAGCTCG-3'